The following is an entry in ClinVar:

ClinVar aggregate classification (germline): Uncertain significance (1 of 4 stars; one submission).

Allele frequency attached by ClinVar (database versions not stated): gnomAD exomes below 0.00001.
gnomAD v4.1: 2 of 1,571,888 alleles (0.00013%); highest among the groups gnomAD compares: Non-Finnish European, 0.00017%; no homozygotes.

Submission:

Ambry Genetics
Classification: Uncertain significance. Last evaluated: 2022-04-11. Review status: criteria provided, single submitter. Criteria: Ambry Variant Classification Scheme 2023. Collection method: clinical testing. Allele origin: germline.
Comment: The p.V413A variant (also known as c.1238T>C), located in coding exon 8 of the POLQ gene, results from a T to C substitution at nucleotide position 1238. The valine at codon 413 is replaced by alanine, an amino acid with similar properties. This amino acid position is conserved. In addition, the in silico prediction for this alteration is inconclusive. Since supporting evidence is limited at this time, the clinical significance of this alteration remains unclear.

NM_199420.4(POLQ):c.1238T>C (p.Val413Ala)

Gene: POLQ (DNA polymerase theta; minus strand). Cytogenetic location: 3q13.33.
Variant type: single nucleotide variant.
Coding change: c.1238T>C on transcript NM_199420.4 (MANE Select); coding-DNA position 1238, T replaced by C.
Protein change: p.Val413Ala; replaces valine 413 with alanine.
Molecular consequence: missense variant.
Genome position (GRCh38, 1-based): chr3:121,522,020, A>G on the plus strand (T>C on the coding strand, the complement: POLQ is on the minus strand). VCF-style: chr3-121522020-A-G. GRCh37 (hg19) VCF-style: chr3-121240867-A-G.
Other names: short protein forms V413A.
Identifiers: ClinVar variation 1757447 (VCV001757447.2), dbSNP rs2546811544, ClinGen allele CA354121309.
Genomic context (GRCh38, chr3:121,522,020, plus strand): 5'-GGAATTTTGGAGGTTTCTTAATAACATTATAAATATGAAATACCTGCATGATGAAATGCT[A>G]CTCCCCATGGTACAGTTTTCTGTAATACAGAGTCCAGTCCTGAAGGCAAACGTCTTAACT-3'
Protein context (NP_955452.3, residues 403-423): SVLQKTVPWG[Val413Ala]AFHHAGLTFE